The following is an entry in ClinVar:

ClinVar aggregate classification (germline): Uncertain significance (1 of 4 stars; one submission).

Conditions:
Peutz-Jeghers syndrome (PJS). Also called: POLYPOSIS, HAMARTOMATOUS INTESTINAL; POLYPS-AND-SPOTS SYNDROME; Peutz-Jeghers polyposis; Periorificial lentiginosis syndrome. Identifiers: Orphanet 2869, MedGen C0031269, MeSH D010580, MONDO:0008280, OMIM 175200.

Submission:

All of Us Research Program, National Institutes of Health
Classification: Uncertain significance for Peutz-Jeghers syndrome. Last evaluated: 2023-06-26. Review status: criteria provided, single submitter. Criteria: ACMG Guidelines, 2015. Collection method: clinical testing. Allele origin: germline. Inheritance: Autosomal dominant inheritance. Observed: 1 variant allele, 1 heterozygote.
Comment: This missense variant replaces leucine with proline at codon 400 of the STK11 protein. Computational prediction suggests that this variant may not impact protein structure and function (internally defined REVEL score threshold <= 0.5, PMID: 27666373). To our knowledge, functional studies have not been reported for this variant. This variant has not been reported in individuals affected with STK11-related disorders in the literature. This variant has not been identified in the general population by the Genome Aggregation Database (gnomAD). The available evidence is insufficient to determine the role of this variant in disease conclusively. Therefore, this variant is classified as a Variant of Uncertain Significance.

This study involves interpretation of variants in research participants for the purpose of population health screening. Participant phenotype was not available at the time of variant classification. Additional details can be found in publication PMID: 35346344, PMCID: PMC8962531

NM_000455.5(STK11):c.1199T>C (p.Leu400Pro)

Gene: STK11 (serine/threonine kinase 11; plus strand). Cytogenetic location: 19p13.3.
Variant type: single nucleotide variant.
Coding change: c.1199T>C on transcript NM_000455.5 (MANE Select); coding-DNA position 1199, T replaced by C.
Protein change: p.Leu400Pro; replaces leucine 400 with proline.
Molecular consequence: missense variant. On other transcripts: non-coding transcript variant (1).
Genome position (GRCh38, 1-based): chr19:1,226,544, T>C. VCF-style: chr19-1226544-T-C. GRCh37 (hg19) VCF-style: chr19-1226543-T-C.
Other names: short protein forms L400P.
Identifiers: ClinVar variation 3072004 (VCV003072004.1), dbSNP rs747545317, ClinGen allele CA304033618.